The following is an entry in ClinVar:

NM_004370.6(COL12A1):c.8759_8762del (p.Met2920fs)

Gene: COL12A1 (collagen type XII alpha 1 chain; minus strand). Cytogenetic location: 6q13.
Variant type: Deletion.
Coding change: c.8759_8762del on transcript NM_004370.6 (MANE Select); coding-DNA positions 8759 to 8762, 4 bases deleted (TGAA; older notation c.8759_8762delTGAA).
Protein change: p.Met2920fs; shifts the reading frame from methionine 2920.
Molecular consequence: frameshift variant.
Genome position (GRCh38, 1-based): chr6:75,090,289-75,090,292, TTCA deleted on the plus strand (TGAA on the coding strand, the reverse complement: COL12A1 is on the minus strand); deleting any 4 consecutive bases within chr6:75,090,289-75,090,293 gives the same sequence; the c. name uses the placement nearest the transcript's 3' end. VCF-style (leftmost placement, unchanged base first): chr6-75090288-GTTCA-G. GRCh37 (hg19) VCF-style: chr6-75800004-GTTCA-G.
Other names: c.5267_5270del, p.Met1756fs (NM_080645.3); short protein forms M1756fs, M2920fs.
Identifiers: ClinVar variation 2078625 (VCV002078625.4), dbSNP rs2533032427, ClinGen allele CA2580075788.

ClinVar aggregate classification (germline): Pathogenic (1 of 4 stars; one submission).

Conditions:
Ullrich congenital muscular dystrophy 2 (UCMD2). Identifiers: Orphanet 75840, MedGen C4225314, MONDO:0014654, OMIM 616470.
Bethlem myopathy 2 (BTHLM2). Identifiers: Orphanet 536516, Orphanet 610, MedGen C4225313, MONDO:0034022, OMIM 616471.

Submission:

Labcorp Genetics (formerly Invitae), Labcorp
Classification: Pathogenic for Bethlem myopathy 2; Ullrich congenital muscular dystrophy 2. Last evaluated: 2022-07-05. Review status: criteria provided, single submitter. Criteria: Invitae Variant Classification Sherloc (09022015). Collection method: clinical testing. Allele origin: germline.
Comment: For these reasons, this variant has been classified as Pathogenic. This variant has not been reported in the literature in individuals affected with COL12A1-related conditions. This variant is not present in population databases (gnomAD no frequency). This sequence change creates a premature translational stop signal (p.Met2920Thrfs*7) in the COL12A1 gene. It is expected to result in an absent or disrupted protein product. Loss-of-function variants in COL12A1 are known to be pathogenic (PMID: 24334604, 28973083).

Literature cited by the submitters: PubMed 24334604; PubMed 28973083.